The following is an entry in ClinVar:

ClinVar aggregate classification (germline): Likely pathogenic (1 of 4 stars; one submission).

Submission:

CeGaT Center for Human Genetics Tuebingen
Classification: Likely pathogenic. Last evaluated: 2025-11-01. Review status: criteria provided, single submitter. Criteria: CeGaT Center For Human Genetics Tuebingen Variant Classification Criteria Version 2. Collection method: clinical testing. Allele origin: germline. Affected: yes. Observed: 1 variant allele.
Comment: FAS: PVS1:Strong, PM2

NM_000043.6(FAS):c.868_871delinsTCA (p.Ala290fs)

Gene: FAS (Fas cell surface death receptor; plus strand). Cytogenetic location: 10q23.31.
Variant type: Indel.
Coding change: c.868_871delinsTCA on transcript NM_000043.6 (MANE Select); coding-DNA positions 868 to 871, GCGT replaced by TCA.
Protein change: p.Ala290fs; shifts the reading frame from alanine 290.
Molecular consequence: frameshift variant. On other transcripts: 3 prime UTR variant (2), non-coding transcript variant (7).
Genome position (GRCh38, 1-based): chr10:89,014,310-89,014,313, GCGT replaced by TCA. VCF-style: chr10-89014310-GCGT-TCA. GRCh37 (hg19) VCF-style: chr10-90774067-GCGT-TCA.
Other names: c.*191_*194delinsTCA (NM_001320619.2); c.913_916delinsTCA, p.Ala305fs (NM_001410956.1); c.805_808delinsTCA, p.Ala269fs (NM_152871.4); c.*180_*183delinsTCA (NM_152872.4); short protein forms A269fs, A290fs, A305fs.
Identifiers: ClinVar variation 4535435 (VCV004535435.6).
Genomic context (GRCh38, chr10:89,014,310, plus strand): 5'-ACAGCAGAACAGAAAGTTCAACTGCTTCGTAATTGGCATCAACTTCATGGAAAGAAAGAA[GCGT>TCA]ATGACACATTGATTAAAGATCTCAAAAAAGCCAATCTTTGTACTCTTGCAGAGAAAATTC-3'